The following is an entry in ClinVar:

ClinVar aggregate classification (germline): Uncertain significance (1 of 4 stars; one submission).

Conditions:
Cornelia de Lange syndrome 4 (CDLS4). Also called: CORNELIA DE LANGE SYNDROME 4 WITH OR WITHOUT MIDLINE BRAIN DEFECTS; RAD21-Related Cornelia de Lange Syndrome. Identifiers: Orphanet 199, MedGen C3553517, MONDO:0013864, OMIM 614701.

Submission:

3billion
Classification: Uncertain significance for Cornelia de Lange syndrome 4. Last evaluated: 2025-12-29. Review status: criteria provided, single submitter. Criteria: ACMG Guidelines, 2015. Collection method: clinical testing. Allele origin: germline. Affected: yes.
Comment: The variant is not observed in the gnomAD v4.1.0 dataset. Predicted Consequence/Location: Frameshift: predicted to result in a loss or disruption of normal protein function through protein truncation. The predicted truncated protein may be shortened by less than 10%. Therefore, this variant is classified as VUS according to the recommendation of ACMG/AMP guideline.

NM_006265.3(RAD21):c.1747_1751del (p.Glu583fs)

Gene: RAD21 (RAD21 cohesin complex component; minus strand). Cytogenetic location: 8q24.11.
Variant type: Deletion.
Coding change: c.1747_1751del on transcript NM_006265.3 (MANE Select); coding-DNA positions 1747 to 1751, 5 bases deleted (GAGTT; older notation c.1747_1751delGAGTT).
Protein change: p.Glu583fs; shifts the reading frame from glutamic acid 583.
Molecular consequence: frameshift variant.
Genome position (GRCh38, 1-based): chr8:116,847,645-116,847,649, AACTC deleted on the plus strand (GAGTT on the coding strand, the reverse complement: RAD21 is on the minus strand); deleting any 5 consecutive bases within chr8:116,847,645-116,847,651 gives the same sequence; the c. name uses the placement nearest the transcript's 3' end. VCF-style (leftmost placement, unchanged base first): chr8-116847644-TAACTC-T. GRCh37 (hg19) VCF-style: chr8-117859883-TAACTC-T.
Other names: short protein forms E583fs.
Identifiers: ClinVar variation 4855579 (VCV004855579.1).
Genomic context (GRCh38, chr8:116,847,644, plus strand): 5'-TTTAAGAACCAAGAAGCTGTAGAACTTTGCGGCAGCTTGTTTTCTGTTCGTATTTCGACA[TAACTC>T]AAGCAAACTGATAGATTCAGCTCCAGTTTTAGCAAGAGCACGCTGAAATAAAACCAAAAA-3'